The following is an entry in ClinVar:

ClinVar aggregate classification (germline): Likely pathogenic (1 of 4 stars; one submission).

Conditions:
Muscular dystrophy-dystroglycanopathy (congenital with brain and eye anomalies), type A2. Also called: MUSCULAR DYSTROPHY-DYSTROGLYCANOPATHY (CONGENITAL WITH BRAIN AND EYE ANOMALIES), TYPE A, 2; WALKER-WARBURG SYNDROME OR MUSCLE-EYE-BRAIN DISEASE, POMT2-RELATED. Identifiers: Orphanet 588, Orphanet 899, MedGen C3150411, MONDO:0013154, OMIM 613150.
Autosomal recessive limb-girdle muscular dystrophy type 2N. Also called: MUSCULAR DYSTROPHY-DYSTROGLYCANOPATHY, LIMB-GIRDLE, POMT2-RELATED; Muscular dystrophy-dystroglycanopathy (limb-girdle), type C, 2. Identifiers: Orphanet 206559, MedGen C3150418, MONDO:0013162, OMIM 613158.
Muscular dystrophy-dystroglycanopathy (congenital with impaired intellectual development), type B, 2. Also called: MUSCULAR DYSTROPHY, CONGENITAL, POMT2-RELATED; Muscular dystrophy-dystroglycanopathy (congenital with intellectual disability), type B2. Identifiers: MedGen C3150416, MONDO:0013160, OMIM 613156.

Submission:

Juno Genomics, Hangzhou Juno Genomics, Inc
Classification: Likely pathogenic for Muscular dystrophy-dystroglycanopathy (congenital with impaired intellectual development), type B, 2; Muscular dystrophy-dystroglycanopathy (congenital with brain and eye anomalies), type A2; Autosomal recessive limb-girdle muscular dystrophy type 2N. Review status: criteria provided, single submitter. Criteria: ACMG Guidelines, 2015. Collection method: clinical testing. Allele origin: germline. Affected: yes.
Comment: Absent from controls (or at extremely low frequency if recessive) in Genome Aggregation Database, Exome Sequencing Project, 1000 Genomes Project, or Exome Aggregation Consortium.;Null variant in a gene where loss of function (LOF) is a known mechanism of disease.

NM_013382.7(POMT2):c.1861_1879del (p.Gly622fs)

Gene: POMT2 (protein O-mannosyltransferase 2; minus strand). Cytogenetic location: 14q24.3.
Variant type: Deletion.
Coding change: c.1861_1879del on transcript NM_013382.7 (MANE Select); coding-DNA positions 1861 to 1879, 19 bases deleted (AGAGGGGCACGGCTGCCAG).
Protein change: p.Gly622fs; shifts the reading frame from glycine 622.
Molecular consequence: frameshift variant.
Genome position (GRCh38, 1-based): chr14:77,279,835-77,279,853, CTGGCAGCCGTGCCCCTCT deleted on the plus strand (AGAGGGGCACGGCTGCCAG on the coding strand, the reverse complement: POMT2 is on the minus strand); deleting any 19 consecutive bases within chr14:77,279,835-77,279,856 gives the same sequence; the c. name uses the placement nearest the transcript's 3' end. VCF-style (leftmost placement, unchanged base first): chr14-77279834-GCTGGCAGCCGTGCCCCTCT-G. GRCh37 (hg19) VCF-style: chr14-77746177-GCTGGCAGCCGTGCCCCTCT-G.
Other names: short protein forms G622fs.
Identifiers: ClinVar variation 3382194 (VCV003382194.2).